The following is an entry in ClinVar:

ClinVar aggregate classification (germline): Likely benign (1 of 4 stars; one submission).

Submission:

CeGaT Center for Human Genetics Tuebingen
Classification: Likely benign. Last evaluated: 2023-12-01. Review status: criteria provided, single submitter. Criteria: CeGaT Center For Human Genetics Tuebingen Variant Classification Criteria Version 2. Collection method: clinical testing. Allele origin: germline. Affected: yes. Observed: 1 variant allele.
Comment: ENSG00000235281: BS2

NC_000010.11:g.2501636C>T

Variant type: single nucleotide variant.
Genome position: GRCh38 VCF-style: chr10-2501636-C-T. GRCh37 (hg19) VCF-style: chr10-2543828-C-T.
Identifiers: ClinVar variation 3025850 (VCV003025850.22), dbSNP rs912553422, ClinGen allele CA201879935.